The following is an entry in ClinVar:

NM_001037.5(SCN1B):c.448+169G>A

Gene: SCN1B (sodium voltage-gated channel beta subunit 1; plus strand). Cytogenetic location: 19q13.11.
Variant type: single nucleotide variant.
Coding change: c.448+169G>A on transcript NM_001037.5 (MANE Select); 169 bases into the intron after coding-DNA position 448, G replaced by A.
Molecular consequence: intron variant. On other transcripts: nonsense (1).
Genome position (GRCh38, 1-based): chr19:35,033,908, G>A. VCF-style: chr19-35033908-G-A. GRCh37 (hg19) VCF-style: chr19-35524812-G-A.
Other names: c.617G>A, p.Trp206Ter (NM_199037.5); c.349+169G>A (NM_001321605.2); short protein forms W206*.
Identifiers: ClinVar variation 2047112 (VCV002047112.4), dbSNP rs1168356875, ClinGen allele CA405329492.

ClinVar aggregate classification (germline): Uncertain significance (1 of 4 stars; one submission).

Conditions:
Brugada syndrome 5 (BRGDA5). Identifiers: Orphanet 130, Orphanet 871, MedGen C2748541, MONDO:0013015, OMIM 612838.

Allele frequency attached by ClinVar (database versions not stated): gnomAD exomes 0.00001; TOPMed 0.00001.
gnomAD v4.1: 4 of 1,580,604 alleles (0.00025%); highest among the groups gnomAD compares: Admixed American, 0.0075%; no homozygotes.

Submission:

Labcorp Genetics (formerly Invitae), Labcorp
Classification: Uncertain significance for Brugada syndrome 5. Last evaluated: 2025-01-15. Review status: criteria provided, single submitter. Criteria: Invitae Variant Classification Sherloc (09022015). Collection method: clinical testing. Allele origin: germline.
Comment: This sequence change creates a premature translational stop signal (p.Trp206*) in the SCN1B gene. While this is not anticipated to result in nonsense mediated decay, it is expected to disrupt the last 63 amino acid(s) of the SCN1B protein. This variant is present in population databases (no rsID available, gnomAD 0.02%). This variant has not been reported in the literature in individuals affected with SCN1B-related conditions. ClinVar contains an entry for this variant (Variation ID: 2047112). Experimental studies and prediction algorithms are not available or were not evaluated, and the functional significance of this variant is currently unknown. In summary, the available evidence is currently insufficient to determine the role of this variant in disease. Therefore, it has been classified as a Variant of Uncertain Significance.